The following is an entry in ClinVar:

ClinVar aggregate classification (germline): Likely benign (1 of 4 stars; one submission).

gnomAD v4.1: 9 of 1,613,690 alleles (0.00056%); highest among the groups gnomAD compares: Non-Finnish European, 0.00076%; no homozygotes.

Submission:

Center for Genomic Medicine, Rigshospitalet, Copenhagen University Hospital
Classification: Likely benign. Last evaluated: 2025-12-29. Review status: criteria provided, single submitter. Criteria: ACMG Guidelines, 2015. Collection method: clinical testing. Allele origin: germline.
Comment: Classification criteria: BP4, BP7

NM_177438.3(DICER1):c.5096-23G>C

Gene: DICER1 (dicer 1, ribonuclease III; minus strand). Cytogenetic location: 14q32.13.
Variant type: single nucleotide variant.
Coding change: c.5096-23G>C on transcript NM_177438.3 (MANE Select); 23 bases into the intron before coding-DNA position 5096, G replaced by C.
Molecular consequence: intron variant.
Genome position (GRCh38, 1-based): chr14:95,094,179, C>G on the plus strand (G>C on the coding strand, the complement: DICER1 is on the minus strand). VCF-style: chr14-95094179-C-G. GRCh37 (hg19) VCF-style: chr14-95560516-C-G.
Other names: c.5096-23G>C (NM_001291628.2, NM_030621.4, NM_001395677.1 and 8 more transcripts); c.4691-23G>C (NM_001395690.1, NM_001395687.1, NM_001395689.1 and 1 more transcripts); c.4814-23G>C (NM_001395686.1); c.4529-23G>C (NM_001395691.1); c.3413-23G>C (NM_001395697.1).
Identifiers: ClinVar variation 4539125 (VCV004539125.1).